The following is an entry in ClinVar:

NM_001184785.2(PARD3):c.3289G>A (p.Gly1097Arg)

Gene: PARD3 (par-3 family cell polarity regulator; minus strand). Cytogenetic location: 10p11.21.
Variant type: single nucleotide variant.
Coding change: c.3289G>A on transcript NM_001184785.2 (MANE Select); coding-DNA position 3289, G replaced by A.
Protein change: p.Gly1097Arg; replaces glycine 1097 with arginine.
Molecular consequence: missense variant.
Genome position (GRCh38, 1-based): chr10:34,269,787, C>T on the plus strand (G>A on the coding strand, the complement: PARD3 is on the minus strand). VCF-style: chr10-34269787-C-T. GRCh37 (hg19) VCF-style: chr10-34558715-C-T.
Other names: c.3250G>A, p.Gly1084Arg (NM_001184786.2); c.3187G>A, p.Gly1063Arg (NM_001184787.2); c.3160G>A, p.Gly1054Arg (NM_001184788.2); c.3049G>A, p.Gly1017Arg (NM_001184789.2); c.3028G>A, p.Gly1010Arg (NM_001184790.2); c.2962G>A, p.Gly988Arg (NM_001184791.2); c.3298G>A, p.Gly1100Arg (NM_019619.4); short protein forms G1010R, G1017R, G1054R, G1063R, G1084R, G1097R, G1100R, G988R.
Identifiers: ClinVar variation 3055871 (VCV003055871.2), dbSNP rs149455520, ClinGen allele CA5467329.

ClinVar aggregate classification (germline): Benign (0 of 4 stars; one submission).

Conditions:
PARD3-related disorder. Also called: PARD3-related condition.

Allele frequency attached by ClinVar (database versions not stated): TOPMed 0.00315; gnomAD 0.00346; ESP Exome Variant Server 0.00408; gnomAD exomes 0.00420; ExAC 0.00478; 1000 Genomes Project 0.00499; 1000 Genomes Project 30x 0.00547.
gnomAD v4.1: 6,688 of 1,613,950 alleles (0.41%); highest among the groups gnomAD compares: South Asian, 2%; 49 homozygotes.

Submission:

PreventionGenetics, part of Exact Sciences
Classification: Benign for PARD3-related condition. Last evaluated: 2019-02-20. Review status: no assertion criteria provided. Collection method: clinical testing. Allele origin: germline.
Comment: This variant is classified as benign based on ACMG/AMP sequence variant interpretation guidelines (Richards et al. 2015 PMID: 25741868, with internal and published modifications).